The following is an entry in ClinVar:

NM_145059.3(FCSK):c.2203G>C (p.Val735Leu)

Gene: FCSK (fucose kinase; plus strand). Cytogenetic location: 16q22.1.
Variant type: single nucleotide variant.
Coding change: c.2203G>C on transcript NM_145059.3 (MANE Select); coding-DNA position 2203, G replaced by C.
Protein change: p.Val735Leu; replaces valine 735 with leucine.
Molecular consequence: missense variant.
Genome position (GRCh38, 1-based): chr16:70,474,837, G>C. VCF-style: chr16-70474837-G-C. GRCh37 (hg19) VCF-style: chr16-70508740-G-C.
Other names: c.2203G>C (NM_145059.2); short protein forms V735L.
Identifiers: ClinVar variation 2013300 (VCV002013300.6), dbSNP rs544431310, ClinGen allele CA396572770.
Genomic context (GRCh38, chr16:70,474,837, plus strand): 5'-CACACTGCCATAGGGGGCTGGAGTGACACGCCACCCCTTGCCTATGAGCTTGGCGGGGCT[G>C]TGCTGGGCCTGGCTGTGCGAGTGGACGGCCGCCGGCCCATCGGAGCCAGGGCACGCCGCA-3'
Protein context (NP_659496.2, residues 725-745): PPLAYELGGA[Val735Leu]LGLAVRVDGR

ClinVar aggregate classification (germline): Uncertain significance. Review status: criteria provided, multiple submitters, no conflicts (2 of 4 stars). 2 submissions from 2 submitters: Uncertain significance (2). Last evaluated 2023-05-18.

Allele frequency attached by ClinVar (database versions not stated): gnomAD exomes below 0.00001.
gnomAD v4.1: 4 of 1,594,446 alleles (0.00025%); highest among the groups gnomAD compares: Non-Finnish European, 0.00034%; no homozygotes.

Submissions (2):

Ambry Genetics
Classification: Uncertain significance. Last evaluated: 2023-05-18. Review status: criteria provided, single submitter. Criteria: Ambry Variant Classification Scheme 2023. Collection method: clinical testing. Allele origin: germline.

Labcorp Genetics (formerly Invitae), Labcorp
Classification: Uncertain significance. Last evaluated: 2022-08-01. Review status: criteria provided, single submitter. Criteria: Invitae Variant Classification Sherloc (09022015). Collection method: clinical testing. Allele origin: germline.
Comment: This sequence change replaces valine, which is neutral and non-polar, with leucine, which is neutral and non-polar, at codon 735 of the FUK protein (p.Val735Leu). This variant is present in population databases (no rsID available, gnomAD 0.007%). In summary, the available evidence is currently insufficient to determine the role of this variant in disease. Therefore, it has been classified as a Variant of Uncertain Significance. This variant has not been reported in the literature in individuals affected with FUK-related conditions. Algorithms developed to predict the effect of missense changes on protein structure and function are either unavailable or do not agree on the potential impact of this missense change (SIFT: "Deleterious"; PolyPhen-2: "Probably Damaging"; Align-GVGD: "Class C0").